The following is an entry in ClinVar:

NM_032536.4(NTNG2):c.949G>A (p.Gly317Ser)

Gene: NTNG2 (netrin G2; plus strand). Cytogenetic location: 9q34.13.
Variant type: single nucleotide variant.
Coding change: c.949G>A on transcript NM_032536.4 (MANE Select); coding-DNA position 949, G replaced by A.
Protein change: p.Gly317Ser; replaces glycine 317 with serine.
Molecular consequence: missense variant.
Genome position (GRCh38, 1-based): chr9:132,226,940, G>A. VCF-style: chr9-132226940-G-A. GRCh37 (hg19) VCF-style: chr9-135102327-G-A.
Other names: c.949G>A (NM_032536.2); short protein forms G317S.
Identifiers: ClinVar variation 2585488 (VCV002585488.2), dbSNP rs147689661, ClinGen allele CA5296043.

ClinVar aggregate classification (germline): Uncertain significance. Review status: criteria provided, multiple submitters, no conflicts (2 of 4 stars). 2 submissions from 2 submitters: Uncertain significance (2). Last evaluated 2025-08-31.

Conditions:
Intellectual developmental disorder with macrocephaly, seizures, and speech delay. Identifiers: MedGen C4748428, MONDO:0032568, OMIM 618158.
Inborn genetic diseases. Identifiers: MedGen C0950123, MeSH D030342.

Allele frequency attached by ClinVar (database versions not stated): TOPMed 0.00006; ESP Exome Variant Server 0.00008; gnomAD 0.00010; ExAC 0.00019; 1000 Genomes Project 30x 0.00031; 1000 Genomes Project 0.00040.
gnomAD v4.1: 148 of 1,612,820 alleles (0.0092%); highest among the groups gnomAD compares: South Asian, 0.09%; 1 homozygote.

Submissions (2):

Ambry Genetics
Classification: Uncertain significance for Inborn genetic diseases. Last evaluated: 2025-08-31. Review status: criteria provided, single submitter. Criteria: Ambry Variant Classification Scheme 2023. Collection method: clinical testing. Allele origin: germline.

Neuberg Centre For Genomic Medicine, NCGM
Classification: Uncertain significance for Intellectual developmental disorder with macrocephaly, seizures, and speech delay. Review status: criteria provided, single submitter. Criteria: ACMG Guidelines, 2015. Collection method: clinical testing. Allele origin: germline. Inheritance: Autosomal recessive inheritance. Affected: yes.
Comment: The missense variant in c.949G>A (p.Gly317Ser) in NTNG2 gene has not been reported previously as a pathogenic variant nor as a benign variant, to our knowledge. The p.Gly317Ser variant is reported with the allele frequency of 0.01824% in gnomAD and is novel (not in any individuals) in 1000 Genomes. The amino acid Gly at position 317 is changed to a Ser changing protein sequence and it might alter its composition and physico-chemical properties. In silico tools predict the variant to be tolerated. The residue is conserved across species. The amino acid change p.Gly317Ser in NTNG2 is predicted as conserved by GERP++ and PhyloP across 100 vertebrates. For these reasons, this variant has been classified as Uncertain Significance.